The following is an entry in ClinVar:

ClinVar aggregate classification (germline): Uncertain significance (1 of 4 stars; one submission).

Conditions:
Landau-Kleffner syndrome (FESD). Also called: EPILEPSY, FOCAL, WITH SPEECH DISORDER AND WITH OR WITHOUT MENTAL RETARDATION; APHASIA, ACQUIRED, WITH EPILEPSY. Identifiers: Orphanet 1945, Orphanet 725, Orphanet 98818, MedGen C0282512, MONDO:0009509, OMIM 245570.

Submission:

Labcorp Genetics (formerly Invitae), Labcorp
Classification: Uncertain significance for Landau-Kleffner syndrome. Last evaluated: 2022-08-09. Review status: criteria provided, single submitter. Criteria: Invitae Variant Classification Sherloc (09022015). Collection method: clinical testing. Allele origin: germline.
Comment: In summary, the available evidence is currently insufficient to determine the role of this variant in disease. Therefore, it has been classified as a Variant of Uncertain Significance. Advanced modeling of protein sequence and biophysical properties (such as structural, functional, and spatial information, amino acid conservation, physicochemical variation, residue mobility, and thermodynamic stability) performed at Invitae indicates that this missense variant is expected to disrupt GRIN2A protein function. This variant has not been reported in the literature in individuals affected with GRIN2A-related conditions. This variant is not present in population databases (gnomAD no frequency). This sequence change replaces phenylalanine, which is neutral and non-polar, with leucine, which is neutral and non-polar, at codon 636 of the GRIN2A protein (p.Phe636Leu).

NM_001134407.3(GRIN2A):c.1908C>G (p.Phe636Leu)

Gene: GRIN2A (glutamate ionotropic receptor NMDA type subunit 2A; minus strand). Cytogenetic location: 16p13.2.
Variant type: single nucleotide variant.
Coding change: c.1908C>G on transcript NM_001134407.3 (MANE Select); coding-DNA position 1908, C replaced by G.
Protein change: p.Phe636Leu; replaces phenylalanine 636 with leucine.
Molecular consequence: missense variant.
Genome position (GRCh38, 1-based): chr16:9,829,522, G>C on the plus strand (C>G on the coding strand, the complement: GRIN2A is on the minus strand). VCF-style: chr16-9829522-G-C. GRCh37 (hg19) VCF-style: chr16-9923379-G-C.
Other names: c.1908C>G, p.Phe636Leu (NM_000833.5, NM_001134408.2); short protein forms F636L.
Identifiers: ClinVar variation 2060543 (VCV002060543.4), dbSNP rs1309080464, ClinGen allele CA394799453.
Genomic context (GRCh38, chr16:9,829,522, plus strand): 5'-CTCTTGGATCATGAAGGCAGCCAGATTGGCTGTGTAGCTAGCCAGGAATATGACAGCGAA[G>C]AAGGCCCATACAGATACCATGATCTTGCTGGTGGTCCCTTTAGGATTCTGGACAGGCACG-3'
Protein context (NP_001127879.1, residues 626-646): TSKIMVSVWA[Phe636Leu]FAVIFLASYT